The following is an entry in ClinVar:

NM_001099922.3(ALG13):c.2384A>T (p.Glu795Val)

Gene: ALG13 (ALG13 UDP-N-acetylglucosaminyltransferase subunit; plus strand). Cytogenetic location: Xq23.
Variant type: single nucleotide variant.
Coding change: c.2384A>T on transcript NM_001099922.3 (MANE Select); coding-DNA position 2384, A replaced by T.
Protein change: p.Glu795Val; replaces glutamic acid 795 with valine.
Molecular consequence: missense variant. On other transcripts: non-coding transcript variant (1).
Genome position (GRCh38, 1-based): chrX:111,730,410, A>T. VCF-style: chrX-111730410-A-T. GRCh37 (hg19) VCF-style: chrX-110973638-A-T.
Other names: c.2072A>T, p.Glu691Val (NM_001257230.2, NM_001257234.2, NM_001257237.2); c.2150A>T, p.Glu717Val (NM_001257231.2); c.2384A>T, p.Glu795Val (NM_001324292.2); c.1898A>T, p.Glu633Val (NM_001324293.1); short protein forms E633V, E691V, E717V, E795V.
Identifiers: ClinVar variation 1052916 (VCV001052916.9), dbSNP rs2148261992, ClinGen allele CA414253934.

ClinVar aggregate classification (germline): Uncertain significance (1 of 4 stars; one submission).

Conditions:
Developmental and epileptic encephalopathy, 36 (DEE36). Also called: Epileptic encephalopathy, early infantile, 36; ALG13-CDG; Congenital disorder of glycosylation, type Is. Identifiers: Orphanet 324422, MedGen C4317295, MONDO:0010472, OMIM 300884.

Submission:

Labcorp Genetics (formerly Invitae), Labcorp
Classification: Uncertain significance for Developmental and epileptic encephalopathy, 36. Last evaluated: 2020-07-01. Review status: criteria provided, single submitter. Criteria: Invitae Variant Classification Sherloc (09022015). Collection method: clinical testing. Allele origin: germline.
Comment: This variant is not present in population databases (ExAC no frequency). In summary, the available evidence is currently insufficient to determine the role of this variant in disease. Therefore, it has been classified as a Variant of Uncertain Significance. Algorithms developed to predict the effect of sequence changes on RNA splicing suggest that this variant may create or strengthen a splice site, but this prediction has not been confirmed by published transcriptional studies. Algorithms developed to predict the effect of missense changes on protein structure and function are either unavailable or do not agree on the potential impact of this missense change (SIFT: "Deleterious"; PolyPhen-2: "Possibly Damaging"; Align-GVGD: "Class C0"). This variant has not been reported in the literature in individuals with ALG13-related conditions. This sequence change replaces glutamic acid with valine at codon 795 of the ALG13 protein (p.Glu795Val). The glutamic acid residue is highly conserved and there is a moderate physicochemical difference between glutamic acid and valine.